The following is an entry in ClinVar:

ClinVar aggregate classification (germline): Uncertain significance. Review status: criteria provided, multiple submitters, no conflicts (2 of 4 stars). 4 submissions from 4 submitters: Uncertain significance (4). Last evaluated 2024-06-03.

Conditions:
Inborn genetic diseases. Identifiers: MedGen C0950123, MeSH D030342.
Developmental and epileptic encephalopathy, 23 (DEE23). Also called: Epileptic encephalopathy, early infantile, 23. Identifiers: Orphanet 411986, MedGen C4014492, MONDO:0014371, OMIM 615859.

Allele frequency attached by ClinVar (database versions not stated): ExAC 0.00002; gnomAD 0.00002; gnomAD exomes 0.00002 and 0.00003; TOPMed 0.00002.
gnomAD v4.1: 39 of 1,565,470 alleles (0.0025%); highest among the groups gnomAD compares: Non-Finnish European, 0.0033%; no homozygotes.

Submissions (4):

Ambry Genetics
Classification: Uncertain significance for Inborn genetic diseases. Last evaluated: 2024-06-03. Review status: criteria provided, single submitter. Criteria: Ambry Variant Classification Scheme 2023. Collection method: clinical testing. Allele origin: germline.

Genome-Nilou Lab
Classification: Uncertain significance for Developmental and epileptic encephalopathy, 23. Last evaluated: 2023-04-11. Review status: criteria provided, single submitter. Criteria: ACMG Guidelines, 2015. Collection method: clinical testing. Allele origin: germline. Affected: no.

Labcorp Genetics (formerly Invitae), Labcorp
Classification: Uncertain significance for Developmental and epileptic encephalopathy, 23. Last evaluated: 2022-08-22. Review status: criteria provided, single submitter. Criteria: Invitae Variant Classification Sherloc (09022015). Collection method: clinical testing. Allele origin: germline.
Comment: This sequence change replaces isoleucine, which is neutral and non-polar, with valine, which is neutral and non-polar, at codon 730 of the DOCK7 protein (p.Ile730Val). This variant is present in population databases (rs747262593, gnomAD 0.007%). This variant has not been reported in the literature in individuals affected with DOCK7-related conditions. ClinVar contains an entry for this variant (Variation ID: 568952). Algorithms developed to predict the effect of missense changes on protein structure and function output the following: SIFT: "Tolerated"; PolyPhen-2: "Benign"; Align-GVGD: "Class C0". The valine amino acid residue is found in multiple mammalian species, which suggests that this missense change does not adversely affect protein function. In summary, the available evidence is currently insufficient to determine the role of this variant in disease. Therefore, it has been classified as a Variant of Uncertain Significance.

GeneDx
Classification: Uncertain significance. Last evaluated: 2021-04-21. Review status: criteria provided, single submitter. Criteria: GeneDx Variant Classification Process June 2021. Collection method: clinical testing. Allele origin: germline. Affected: yes.
Comment: In silico analysis supports that this missense variant does not alter protein structure/function; Has not been previously published as pathogenic or benign to our knowledge

NM_001367561.1(DOCK7):c.2188A>G (p.Ile730Val)

Gene: DOCK7 (dedicator of cytokinesis 7; minus strand). Cytogenetic location: 1p31.3.
Variant type: single nucleotide variant.
Coding change: c.2188A>G on transcript NM_001367561.1 (MANE Select); coding-DNA position 2188, A replaced by G.
Protein change: p.Ile730Val; replaces isoleucine 730 with valine.
Molecular consequence: missense variant.
Genome position (GRCh38, 1-based): chr1:62,561,628, T>C on the plus strand (A>G on the coding strand, the complement: DOCK7 is on the minus strand). VCF-style: chr1-62561628-T-C. GRCh37 (hg19) VCF-style: chr1-63027299-T-C.
Other names: c.2188A>G, p.Ile730Val (NM_001271999.2, NM_001272000.2, NM_001272001.2 and 2 more transcripts); c.2188A>G (NM_033407.2); short protein forms I730V.
Identifiers: ClinVar variation 568952 (VCV000568952.9), dbSNP rs747262593, ClinGen allele CA886343.